The following is an entry in ClinVar:

NM_001145715.3(KPNA7):c.1282C>G (p.Leu428Val)

Gene: KPNA7 (karyopherin subunit alpha 7; minus strand). Cytogenetic location: 7q22.1.
Variant type: single nucleotide variant.
Coding change: c.1282C>G on transcript NM_001145715.3 (MANE Select); coding-DNA position 1282, C replaced by G.
Protein change: p.Leu428Val; replaces leucine 428 with valine.
Molecular consequence: missense variant.
Genome position (GRCh38, 1-based): chr7:99,181,918, G>C on the plus strand (C>G on the coding strand, the complement: KPNA7 is on the minus strand). VCF-style: chr7-99181918-G-C. GRCh37 (hg19) VCF-style: chr7-98779541-G-C.
Other names: short protein forms L428V.
Identifiers: ClinVar variation 2050815 (VCV002050815.3), dbSNP rs1427161208, ClinGen allele CA368417834.

ClinVar aggregate classification (germline): Uncertain significance (1 of 4 stars; one submission).

Allele frequency attached by ClinVar (database versions not stated): TOPMed 0.00003.
gnomAD v4.1: 5 of 1,550,930 alleles (0.00032%); highest among the groups gnomAD compares: East Asian, 0.012%; no homozygotes.

Submission:

Labcorp Genetics (formerly Invitae), Labcorp
Classification: Uncertain significance. Last evaluated: 2022-03-15. Review status: criteria provided, single submitter. Criteria: Invitae Variant Classification Sherloc (09022015). Collection method: clinical testing. Allele origin: germline.
Comment: This variant is present in population databases (no rsID available, gnomAD 0.01%). This variant has not been reported in the literature in individuals affected with KPNA7-related conditions. Algorithms developed to predict the effect of missense changes on protein structure and function output the following: SIFT: "Tolerated"; PolyPhen-2: "Benign"; Align-GVGD: "Class C0". The valine amino acid residue is found in multiple mammalian species, which suggests that this missense change does not adversely affect protein function. In summary, the available evidence is currently insufficient to determine the role of this variant in disease. Therefore, it has been classified as a Variant of Uncertain Significance. This sequence change replaces leucine, which is neutral and non-polar, with valine, which is neutral and non-polar, at codon 428 of the KPNA7 protein (p.Leu428Val).